The following is an entry in ClinVar:

NM_001430.5(EPAS1):c.2216G>T (p.Arg739Leu)

Gene: EPAS1 (endothelial PAS domain protein 1; plus strand). Cytogenetic location: 2p21.
Variant type: single nucleotide variant.
Coding change: c.2216G>T on transcript NM_001430.5 (MANE Select); coding-DNA position 2216, G replaced by T.
Protein change: p.Arg739Leu; replaces arginine 739 with leucine.
Molecular consequence: missense variant.
Genome position (GRCh38, 1-based): chr2:46,382,018, G>T. VCF-style: chr2-46382018-G-T. GRCh37 (hg19) VCF-style: chr2-46609157-G-T.
Other names: short protein forms R739L.
Identifiers: ClinVar variation 2450325 (VCV002450325.2), dbSNP rs1183602467, ClinGen allele CA346705787.

ClinVar aggregate classification (germline): Uncertain significance (1 of 4 stars; one submission).

Conditions:
Inborn genetic diseases. Identifiers: MedGen C0950123, MeSH D030342.

gnomAD v4.1: 1 of 1,613,894 alleles (0.000062%); highest among the groups gnomAD compares: East Asian, 0.0022%; no homozygotes.

Submission:

Ambry Genetics
Classification: Uncertain significance for Inborn genetic diseases. Last evaluated: 2023-02-12. Review status: criteria provided, single submitter. Criteria: Ambry Variant Classification Scheme 2023. Collection method: clinical testing. Allele origin: germline.
Comment: The p.R739L variant (also known as c.2216G>T), located in coding exon 14 of the EPAS1 gene, results from a G to T substitution at nucleotide position 2216. The arginine at codon 739 is replaced by leucine, an amino acid with dissimilar properties. This amino acid position is conserved. In addition, this alteration is predicted to be deleterious by in silico analysis. Since supporting evidence is limited at this time, the clinical significance of this alteration remains unclear.